The following is an entry in ClinVar:

ClinVar aggregate classification (germline): Likely benign (1 of 4 stars; one submission).

Submission:

Mayo Clinic Laboratories, Mayo Clinic
Classification: Likely benign. Last evaluated: 2024-10-15. Review status: criteria provided, single submitter. Criteria: ACMG Guidelines, 2015. Collection method: clinical testing. Allele origin: germline. Observed: 1 variant allele.
Comment: BP4, BP7

NM_003849.4(SUCLG1):c.532-31dup

Gene: SUCLG1 (succinate-CoA ligase GDP/ADP-forming subunit alpha; minus strand). Cytogenetic location: 2p11.2.
Variant type: Duplication.
Coding change: c.532-31dup on transcript NM_003849.4 (MANE Select); 31 bases into the intron before coding-DNA position 532, one base duplicated (T; older notation c.532-31dupT).
Molecular consequence: intron variant.
Genome position (GRCh38, 1-based): chr2:84,441,135, A duplicated on the plus strand (T on the coding strand, the reverse complement: SUCLG1 is on the minus strand); the first of 10 consecutive A bases (chr2:84,441,135-84,441,144); duplicating any one gives the same sequence. VCF-style (leftmost placement, unchanged base first): chr2-84441134-T-TA. GRCh37 (hg19) VCF-style: chr2-84668258-T-TA.
Other names: p.?.
Identifiers: ClinVar variation 4684581 (VCV004684581.1).